The following is an entry in ClinVar:

NM_007118.4(TRIO):c.7916G>C (p.Arg2639Thr)

Gene: TRIO (trio Rho guanine nucleotide exchange factor; plus strand). Cytogenetic location: 5p15.2.
Variant type: single nucleotide variant.
Coding change: c.7916G>C on transcript NM_007118.4 (MANE Select); coding-DNA position 7916, G replaced by C.
Protein change: p.Arg2639Thr; replaces arginine 2639 with threonine.
Molecular consequence: missense variant. On other transcripts: non-coding transcript variant (1).
Genome position (GRCh38, 1-based): chr5:14,496,914, G>C. VCF-style: chr5-14496914-G-C. GRCh37 (hg19) VCF-style: chr5-14497023-G-C.
Other names: short protein forms R2639T.
Identifiers: ClinVar variation 2576931 (VCV002576931.1), dbSNP rs377442700, ClinGen allele CA114008334.
Genomic context (GRCh38, chr5:14,496,914, plus strand): 5'-CCCACAGTGTGTTCATTTCCCCTAGGAAGTCAACATCTTGGCACACAGCACTCCGTTTAA[G>C]GAAAAAATCTGAGAAAAAAGATAAAGACGGCAAAAGGGAAGGCAAGTTAGAGAACGGTTA-3'
Protein context (NP_009049.2, residues 2629-2649): STSWHTALRL[Arg2639Thr]KKSEKKDKDG

ClinVar aggregate classification (germline): Uncertain significance (1 of 4 stars; one submission).

Allele frequency attached by ClinVar (database versions not stated): ESP Exome Variant Server 0.00008.
gnomAD v4.1: 6 of 1,614,046 alleles (0.00037%); highest among the groups gnomAD compares: Non-Finnish European, 0.00051%; no homozygotes.

Submission:

GeneDx
Classification: Uncertain significance. Last evaluated: 2023-02-21. Review status: criteria provided, single submitter. Criteria: GeneDx Variant Classification Process June 2021. Collection method: clinical testing. Allele origin: germline. Affected: yes.
Comment: Not observed at significant frequency in large population cohorts (gnomAD); In silico analysis supports that this missense variant has a deleterious effect on protein structure/function; Has not been previously published as pathogenic or benign to our knowledge